The following is an entry in ClinVar:

NM_018117.12(WDR11):c.288C>T (p.Ile96=)

Gene: WDR11 (WD repeat domain 11; plus strand). Cytogenetic location: 10q26.12.
Variant type: single nucleotide variant.
Coding change: c.288C>T on transcript NM_018117.12 (MANE Select); coding-DNA position 288, C replaced by T.
Protein change: p.Ile96=; no amino-acid change (isoleucine 96 retained).
Molecular consequence: synonymous variant.
Genome position (GRCh38, 1-based): chr10:120,858,732, C>T. VCF-style: chr10-120858732-C-T. GRCh37 (hg19) VCF-style: chr10-122618244-C-T.
Identifiers: ClinVar variation 704337 (VCV000704337.22), dbSNP rs147244489, ClinGen allele CA5719405.

ClinVar aggregate classification (germline): Likely benign. Review status: criteria provided, multiple submitters, no conflicts (2 of 4 stars). 3 submissions from 3 submitters: Likely benign (2). 1 of the submissions does not count toward it. Last evaluated 2025-10-01.

Conditions:
WDR11-related disorder. Also called: WDR11-related condition.

Allele frequency attached by ClinVar (database versions not stated): 1000 Genomes Project below 0.00001; gnomAD exomes 0.00016; ExAC 0.00020; gnomAD 0.00055 and 0.00063; TOPMed 0.00062; ESP Exome Variant Server 0.00092.
gnomAD v4.1: 154 of 1,614,026 alleles (0.0095%); highest among the groups gnomAD compares: African/African-American, 0.16%; no homozygotes.

Submissions (3):

Labcorp Genetics (formerly Invitae), Labcorp
Classification: Likely benign. Last evaluated: 2025-10-01. Review status: criteria provided, single submitter. Criteria: Invitae Variant Classification Sherloc (09022015). Collection method: clinical testing. Allele origin: germline.

CeGaT Center for Human Genetics Tuebingen
Classification: Likely benign. Last evaluated: 2025-01-01. Review status: criteria provided, single submitter. Criteria: CeGaT Center For Human Genetics Tuebingen Variant Classification Criteria Version 2. Collection method: clinical testing. Allele origin: germline. Affected: yes. Observed: 1 variant allele.
Comment: WDR11: BP4, BP7

PreventionGenetics, part of Exact Sciences
Classification: Likely benign for WDR11-related condition. Last evaluated: 2019-09-05. Review status: no assertion criteria provided. Collection method: clinical testing. Allele origin: germline. Not counted in ClinVar's aggregate classification.
Comment: This variant is classified as likely benign based on ACMG/AMP sequence variant interpretation guidelines (Richards et al. 2015 PMID: 25741868, with internal and published modifications).